The following is an entry in ClinVar:

NM_153603.4(COG7):c.212G>A (p.Arg71His)

Gene: COG7 (component of oligomeric golgi complex 7; minus strand). Cytogenetic location: 16p12.2.
Variant type: single nucleotide variant.
Coding change: c.212G>A on transcript NM_153603.4 (MANE Select); coding-DNA position 212, G replaced by A.
Protein change: p.Arg71His; replaces arginine 71 with histidine.
Molecular consequence: missense variant.
Genome position (GRCh38, 1-based): chr16:23,445,919, C>T on the plus strand (G>A on the coding strand, the complement: COG7 is on the minus strand). VCF-style: chr16-23445919-C-T. GRCh37 (hg19) VCF-style: chr16-23457240-C-T.
Other names: short protein forms R71H.
Identifiers: ClinVar variation 1989147 (VCV001989147.4), dbSNP rs745329738, ClinGen allele CA7961358.

ClinVar aggregate classification (germline): Uncertain significance (1 of 4 stars; one submission).

Conditions:
COG7 congenital disorder of glycosylation (CDG2E). Also called: CONGENITAL DISORDER OF GLYCOSYLATION, TYPE IIe; CDG IIe. Identifiers: Orphanet 79333, MedGen C2931010, MONDO:0012118, OMIM 608779.

Allele frequency attached by ClinVar (database versions not stated): ExAC 0.00001; TOPMed 0.00001.
gnomAD v4.1: 13 of 1,611,446 alleles (0.00081%); highest among the groups gnomAD compares: African/African-American, 0.0081%; no homozygotes.

Submission:

Labcorp Genetics (formerly Invitae), Labcorp
Classification: Uncertain significance for COG7 congenital disorder of glycosylation. Last evaluated: 2024-04-17. Review status: criteria provided, single submitter. Criteria: Invitae Variant Classification Sherloc (09022015). Collection method: clinical testing. Allele origin: germline.
Comment: This sequence change replaces arginine, which is basic and polar, with histidine, which is basic and polar, at codon 71 of the COG7 protein (p.Arg71His). This variant is present in population databases (rs745329738, gnomAD 0.007%). This variant has not been reported in the literature in individuals affected with COG7-related conditions. ClinVar contains an entry for this variant (Variation ID: 1989147). Advanced modeling of protein sequence and biophysical properties (such as structural, functional, and spatial information, amino acid conservation, physicochemical variation, residue mobility, and thermodynamic stability) performed at Invitae indicates that this missense variant is not expected to disrupt COG7 protein function with a negative predictive value of 80%. In summary, the available evidence is currently insufficient to determine the role of this variant in disease. Therefore, it has been classified as a Variant of Uncertain Significance.